The following is an entry in ClinVar:

NM_022041.4(GAN):c.502G>T (p.Glu168Ter)

Gene: GAN (gigaxonin; plus strand). Cytogenetic location: 16q23.2.
Variant type: single nucleotide variant.
Coding change: c.502G>T on transcript NM_022041.4 (MANE Select); coding-DNA position 502, G replaced by T.
Protein change: p.Glu168Ter; replaces glutamic acid 168 with a stop codon.
Molecular consequence: nonsense. On other transcripts: 5 prime UTR variant (1).
Genome position (GRCh38, 1-based): chr16:81,354,624, G>T. VCF-style: chr16-81354624-G-T. GRCh37 (hg19) VCF-style: chr16-81388229-G-T.
Other names: c.-138G>T (NM_001377486.1); short protein forms E168*.
Identifiers: ClinVar variation 1382301 (VCV001382301.6), dbSNP rs776404697, ClinGen allele CA396868671.

ClinVar aggregate classification (germline): Pathogenic (1 of 4 stars; one submission).

Conditions:
Giant axonal neuropathy 1 (GAN1). Also called: GIANT AXONAL NEUROPATHY 1, AUTOSOMAL RECESSIVE; GAN-Related Neurodegeneration. Identifiers: Orphanet 643, MedGen C1850386, MONDO:0009749, OMIM 256850.

Submission:

Labcorp Genetics (formerly Invitae), Labcorp
Classification: Pathogenic for Giant axonal neuropathy 1. Last evaluated: 2023-06-17. Review status: criteria provided, single submitter. Criteria: Invitae Variant Classification Sherloc (09022015). Collection method: clinical testing. Allele origin: germline.
Comment: This sequence change creates a premature translational stop signal (p.Glu168*) in the GAN gene. It is expected to result in an absent or disrupted protein product. Loss-of-function variants in GAN are known to be pathogenic (PMID: 12655563, 14718689, 23890932). This variant is not present in population databases (gnomAD no frequency). This variant has not been reported in the literature in individuals affected with GAN-related conditions. ClinVar contains an entry for this variant (Variation ID: 1382301). Algorithms developed to predict the effect of sequence changes on RNA splicing suggest that this variant may create or strengthen a splice site. For these reasons, this variant has been classified as Pathogenic.

Literature cited by the submitters: PubMed 12655563; PubMed 14718689; PubMed 23890932.